The following is an entry in ClinVar:

ClinVar aggregate classification (germline): Likely pathogenic. Review status: criteria provided, multiple submitters, no conflicts (2 of 4 stars). 2 submissions from 2 submitters: Likely pathogenic (2). Last evaluated 2025-11-14.

Conditions:
Lynch syndrome 5 (LYNCH5). Also called: Hereditary non-polyposis colorectal cancer, type 5; Colorectal cancer, hereditary nonpolyposis, type 5. Identifiers: Orphanet 144, MedGen C1833477, MONDO:0013710, OMIM 614350. Disease mechanism: loss of function.
Hereditary nonpolyposis colorectal neoplasms. Identifiers: MedGen C0009405, MeSH D003123.

Submissions (2):

Labcorp Genetics (formerly Invitae), Labcorp
Classification: Likely pathogenic for Hereditary nonpolyposis colorectal neoplasms. Last evaluated: 2025-11-14. Review status: criteria provided, single submitter. Criteria: Invitae Variant Classification Sherloc (09022015). Collection method: clinical testing. Allele origin: germline.
Comment: This sequence change replaces arginine, which is basic and polar, with leucine, which is neutral and non-polar, at codon 1334 of the MSH6 protein (p.Arg1334Leu). RNA analysis indicates that this missense change induces altered splicing and likely disrupts the C-terminus of the protein. This variant is not present in population databases (gnomAD no frequency). This missense change has been observed in individual(s) with clinical features of Lynch syndrome (internal data). ClinVar contains an entry for this variant (Variation ID: 2673898). An algorithm developed to predict the effect of missense changes on protein structure and function (PolyPhen-2) suggests that this variant is likely to be disruptive. Variants that disrupt the consensus splice site are a relatively common cause of aberrant splicing (PMID: 17576681, 9536098). Studies have shown that this missense change results in skipping of exon 9 and introduces a new termination codon (internal data). However the mRNA is not expected to undergo nonsense-mediated decay. This variant disrupts the c.4001G nucleotide in the MSH6 gene. Other variant(s) that disrupt this nucleotide have been determined to be pathogenic (PMID: 10508506, 15236168, 36691871; internal data). This suggests that this nucleotide is clinically significant, and that variants that disrupt this position are likely to be disease-causing. In summary, the currently available evidence indicates that the variant is pathogenic, but additional data are needed to prove that conclusively. Therefore, this variant has been classified as Likely Pathogenic.

Myriad Genetics, Inc.
Classification: Likely pathogenic for Lynch syndrome 5. Last evaluated: 2023-11-22. Review status: criteria provided, single submitter. Criteria: Myriad Autosomal Dominant, Autosomal Recessive and X-Linked Classification Criteria (2023). Collection method: clinical testing. Allele origin: unknown.
Comment: This variant is considered likely pathogenic. mRNA analysis has demonstrated abnormal mRNA splicing occurs [Myriad internal data].

Literature cited by the submitters: PubMed 17576681 (cited by Labcorp Genetics (formerly Invitae), Labcorp); PubMed 9536098 (cited by Labcorp Genetics (formerly Invitae), Labcorp); PubMed 10508506 (cited by Labcorp Genetics (formerly Invitae), Labcorp); PubMed 15236168 (cited by Labcorp Genetics (formerly Invitae), Labcorp); PubMed 36691871 (cited by Labcorp Genetics (formerly Invitae), Labcorp).

NM_000179.3(MSH6):c.4001G>T (p.Arg1334Leu)

Gene: MSH6 (mutS homolog 6; plus strand). Cytogenetic location: 2p16.3.
Variant type: single nucleotide variant.
Coding change: c.4001G>T on transcript NM_000179.3 (MANE Select); coding-DNA position 4001, G replaced by T.
Protein change: p.Arg1334Leu; replaces arginine 1334 with leucine.
Molecular consequence: missense variant. On other transcripts: 3 prime UTR variant (1), non-coding transcript variant (5), intron variant (1).
Genome position (GRCh38, 1-based): chr2:47,806,651, G>T. VCF-style: chr2-47806651-G-T. GRCh37 (hg19) VCF-style: chr2-48033790-G-T.
Other names: c.3611G>T, p.Arg1204Leu (NM_001281492.2); c.3095G>T, p.Arg1032Leu (NM_001281493.2, NM_001281494.2, NM_001406811.1 and 6 more transcripts); c.4097G>T, p.Arg1366Leu (NM_001406795.1); c.4001G>T, p.Arg1334Leu (NM_001406796.1, NM_001406808.1, NM_001406809.1); c.3704G>T, p.Arg1235Leu (NM_001406797.1, NM_001406801.1, NM_001406805.1 and 10 more transcripts); c.3827G>T, p.Arg1276Leu (NM_001406798.1); c.3476G>T, p.Arg1159Leu (NM_001406799.1, NM_001406806.1, NM_001406807.1); c.*22G>T (NM_001406800.1); and 9 more; short protein forms R1032L, R1046L, R1159L, R1204L, R1235L, R1276L, R1278L, R1308L.
Identifiers: ClinVar variation 2673898 (VCV002673898.2), dbSNP rs267608122, ClinGen allele CA346761610.